The following is an entry in ClinVar:

NM_016284.5(CNOT1):c.225T>G (p.Ile75Met)

Gene: CNOT1 (CCR4-NOT transcription complex subunit 1; minus strand). Cytogenetic location: 16q21.
Variant type: single nucleotide variant.
Coding change: c.225T>G on transcript NM_016284.5 (MANE Select); coding-DNA position 225, T replaced by G.
Protein change: p.Ile75Met; replaces isoleucine 75 with methionine.
Molecular consequence: missense variant. On other transcripts: non-coding transcript variant (1).
Genome position (GRCh38, 1-based): chr16:58,587,864, A>C on the plus strand (T>G on the coding strand, the complement: CNOT1 is on the minus strand). VCF-style: chr16-58587864-A-C. GRCh37 (hg19) VCF-style: chr16-58621768-A-C.
Other names: c.225T>G, p.Ile75Met (NM_001265612.2, NM_206999.3); short protein forms I75M.
Identifiers: ClinVar variation 2581691 (VCV002581691.1), dbSNP rs1426324826, ClinGen allele CA396157853.

ClinVar aggregate classification (germline): Uncertain significance (1 of 4 stars; one submission).

Allele frequency attached by ClinVar (database versions not stated): gnomAD exomes 0.00001; TOPMed 0.00001.
gnomAD v4.1: 3 of 1,613,468 alleles (0.00019%); highest among the groups gnomAD compares: Non-Finnish European, 0.00017%; no homozygotes.

Submission:

Women's Health and Genetics/Laboratory Corporation of America, LabCorp
Classification: Uncertain significance. Last evaluated: 2023-08-14. Review status: criteria provided, single submitter. Criteria: LabCorp Variant Classification Summary - May 2015. Collection method: clinical testing. Allele origin: germline.
Comment: Variant summary: CNOT1 c.225T>G (p.Ile75Met) results in a conservative amino acid change in the encoded protein sequence. Three of five in-silico tools predict a benign effect of the variant on protein function. The variant allele was found at a frequency of 4e-06 in 250542 control chromosomes. The available data on variant occurrences in the general population are insufficient to allow any conclusion about variant significance. To our knowledge, no occurrence of c.225T>G in individuals affected with Vissers-Bodmer Syndrome and no experimental evidence demonstrating its impact on protein function have been reported. No submitters have cited clinical-significance assessments for this variant to ClinVar after 2014. Based on the evidence outlined above, the variant was classified as uncertain significance.